The following is an entry in ClinVar:

ClinVar aggregate classification (germline): Uncertain significance (1 of 4 stars; one submission).

Conditions:
Hereditary cancer-predisposing syndrome. Also called: Neoplastic Syndromes, Hereditary; Tumor predisposition; Hereditary Cancer Syndrome; Hereditary neoplastic syndrome. Identifiers: Orphanet 140162, MedGen C0027672, MeSH D009386, MONDO:0015356.

Submission:

Ambry Genetics
Classification: Uncertain significance for Hereditary cancer-predisposing syndrome. Last evaluated: 2025-11-22. Review status: criteria provided, single submitter. Criteria: Ambry Variant Classification Scheme 2023. Collection method: clinical testing. Allele origin: germline.
Comment: The p.S53R variant (also known as c.159T>G), located in coding exon 1 of the ALK gene, results from a T to G substitution at nucleotide position 159. The serine at codon 53 is replaced by arginine, an amino acid with dissimilar properties. This amino acid position is conserved. In addition, the in silico prediction for this alteration is inconclusive. Based on the available evidence, the clinical significance of this variant remains unclear.

NM_004304.5(ALK):c.159T>G (p.Ser53Arg)

Gene: ALK (ALK receptor tyrosine kinase; minus strand). Cytogenetic location: 2p23.1.
Variant type: single nucleotide variant.
Coding change: c.159T>G on transcript NM_004304.5 (MANE Select); coding-DNA position 159, T replaced by G.
Protein change: p.Ser53Arg; replaces serine 53 with arginine.
Molecular consequence: missense variant.
Genome position (GRCh38, 1-based): chr2:29,920,501, A>C on the plus strand (T>G on the coding strand, the complement: ALK is on the minus strand). VCF-style: chr2-29920501-A-C. GRCh37 (hg19) VCF-style: chr2-30143367-A-C.
Other names: short protein forms S53R.
Identifiers: ClinVar variation 4680534 (VCV004680534.1).